The following is an entry in ClinVar:

ClinVar aggregate classification (germline): Benign. Review status: criteria provided, multiple submitters, no conflicts (2 of 4 stars). 2 submissions from 2 submitters: Benign (2). Last evaluated 2018-06-18.

Allele frequency attached by ClinVar (database versions not stated): gnomAD 0.30377 and 0.30881; TOPMed 0.31183; 1000 Genomes Project 0.34704; 1000 Genomes Project 30x 0.35134.
gnomAD v4.1: 136,887 of 599,904 alleles (23%); highest among the groups gnomAD compares: African/African-American, 67%; 21,767 homozygotes.

Submissions (2):

GeneDx
Classification: Benign. Last evaluated: 2018-06-18. Review status: criteria provided, single submitter. Criteria: GeneDx Variant Classification (06012015). Collection method: clinical testing. Allele origin: germline. Affected: yes.
Comment: This variant is considered likely benign or benign based on one or more of the following criteria: it is a conservative change, it occurs at a poorly conserved position in the protein, it is predicted to be benign by multiple in silico algorithms, and/or has population frequency not consistent with disease.

Breakthrough Genomics
Classification: Benign. Review status: criteria provided, single submitter. Criteria: ACMG Guidelines, 2015. Collection method: not provided. Allele origin: germline. Inheritance: Autosomal dominant inheritance. Affected: yes.

NM_004333.6(BRAF):c.1177+146G>A

Gene: BRAF (B-Raf proto-oncogene, serine/threonine kinase; minus strand). Cytogenetic location: 7q34.
Variant type: single nucleotide variant.
Coding change: c.1177+146G>A on transcript NM_004333.6 (MANE Select); 146 bases into the intron after coding-DNA position 1177, G replaced by A.
Molecular consequence: intron variant.
Genome position (GRCh38, 1-based): chr7:140,787,402, C>T on the plus strand (G>A on the coding strand, the complement: BRAF is on the minus strand). VCF-style: chr7-140787402-C-T. GRCh37 (hg19) VCF-style: chr7-140487202-C-T.
Other names: c.1177+146G>A (NM_001378474.1, NM_001378468.1, NM_001354609.2 and 3 more transcripts); c.1075+146G>A (NM_001378470.1); c.913+146G>A (NM_001378475.1); c.1141-4319G>A (NM_001378471.1); c.1186+146G>A (NM_001378467.1); c.1021+146G>A (NM_001378472.1, NM_001378473.1).
Identifiers: ClinVar variation 561364 (VCV000561364.2), dbSNP rs1267632, ClinGen allele CA15492282.